The following is an entry in ClinVar:

NM_001256071.3(RNF213):c.901G>A (p.Ala301Thr)

Gene: RNF213 (ring finger protein 213; plus strand). Cytogenetic location: 17q25.3.
Variant type: single nucleotide variant.
Coding change: c.901G>A on transcript NM_001256071.3 (MANE Select); coding-DNA position 901, G replaced by A.
Protein change: p.Ala301Thr; replaces alanine 301 with threonine.
Molecular consequence: missense variant.
Genome position (GRCh38, 1-based): chr17:80,288,723, G>A. VCF-style: chr17-80288723-G-A. GRCh37 (hg19) VCF-style: chr17-78262522-G-A.
Other names: c.1048G>A, p.Ala350Thr (NM_001410195.1, NM_020914.5); c.901G>A, p.Ala301Thr (NM_020954.4); short protein forms A301T, A350T.
Identifiers: ClinVar variation 5041388 (VCV005041388.1).

ClinVar aggregate classification (germline): Uncertain significance (1 of 4 stars; one submission).

gnomAD v4.1: 3 of 1,614,094 alleles (0.00019%); highest among the groups gnomAD compares: Non-Finnish European, 0.00025%; no homozygotes.

Submission:

CeGaT Center for Human Genetics Tuebingen
Classification: Uncertain significance. Last evaluated: 2026-09-01. Review status: criteria provided, single submitter. Criteria: CeGaT Center For Human Genetics Tuebingen Variant Classification Criteria Version 2. Collection method: clinical testing. Allele origin: germline. Affected: yes. Observed: 1 variant allele.
Comment: RNF213: PM2, BP4